The following is an entry in ClinVar:

NM_133379.5(TTN):c.10411G>A (p.Ala3471Thr)

Gene: TTN (titin; minus strand). Cytogenetic location: 2q31.2.
Variant type: single nucleotide variant.
Coding change: c.10411G>A on transcript NM_133379.5; coding-DNA position 10411, G replaced by A.
Protein change: p.Ala3471Thr; replaces alanine 3471 with threonine.
Molecular consequence: missense variant. On other transcripts: intron variant (6).
Genome position (GRCh38, 1-based): chr2:178,751,989, C>T on the plus strand (G>A on the coding strand, the complement: TTN is on the minus strand). VCF-style: chr2-178751989-C-T. GRCh37 (hg19) VCF-style: chr2-179616716-C-T.
Other names: p.A3471T:GCC>ACC; c.10222+1135G>A (NM_003319.4); c.10798+1135G>A (NM_133437.4); c.10597+1135G>A (NM_133432.3); c.10360+1135G>A (NM_133378.4, NM_001256850.1); c.11311+1135G>A (NM_001267550.2); c.10411G>A (NM_133379.4); short protein forms A3471T.
Identifiers: ClinVar variation 47726 (VCV000047726.12), dbSNP rs149878929, ClinGen allele CA141786.
Genomic context (GRCh38, chr2:178,751,989, plus strand): 5'-TACTTGCATATCTTTTAGCAGCCATGGATTTGTGGTCTATGTCTTCAGAATCTGAAAAGG[C>T]GTCACGTGTATCCCTTTCTGAATGTTCAGATTCCCCCTCAGAGAATAATTCTGGAAAAAA-3'

ClinVar aggregate classification (germline): Likely benign. Review status: criteria provided, multiple submitters, no conflicts (2 of 4 stars). 5 submissions from 5 submitters: Likely benign (3). 2 of the submissions do not count toward it. Last evaluated 2025-04-09.

Conditions:
TTN-related disorder. Also called: TTN-related condition; TTN-related disease; TTN-related disorders.

Allele frequency attached by ClinVar (database versions not stated): gnomAD exomes 0.00013 and 0.00033; ExAC 0.00043; gnomAD 0.00118 and 0.00124; TOPMed 0.00136; 1000 Genomes Project 30x 0.00141; ESP Exome Variant Server 0.00154; 1000 Genomes Project 0.00160.
gnomAD v4.1: 359 of 1,587,522 alleles (0.023%); highest among the groups gnomAD compares: African/African-American, 0.45%; no homozygotes.

Submissions (5):

Molecular Diagnostic Laboratory for Inherited Cardiovascular Disease, Montreal Heart Institute
Classification: Likely benign. Last evaluated: 2025-04-09. Review status: criteria provided, single submitter. Criteria: ACMG Guidelines, 2015. Collection method: clinical testing. Allele origin: germline. Affected: no.

Eurofins Ntd Llc (ga)
Classification: Likely benign. Last evaluated: 2018-06-05. Review status: criteria provided, single submitter. Criteria: EGL ClinVar v180209 classification definitions. Collection method: clinical testing. Allele origin: germline. Observed: 2 variant alleles, 2 heterozygotes.

Laboratory for Molecular Medicine, Mass General Brigham Personalized Medicine
Classification: Likely benign. Last evaluated: 2015-09-22. Review status: criteria provided, single submitter. Criteria: LMM Criteria. Collection method: clinical testing. Allele origin: germline. Observed: 3 variant alleles.
Comment: p.Ala3471Thr in exon 45A of TTN: This variant is not expected to have clinical s ignificance because it has been identified in 0.5% (50/9948) of African chromoso mes by the Exome Aggregation Consortium (ExAC; dbSNP rs149878929).

PreventionGenetics, part of Exact Sciences
Classification: Likely benign for TTN-related condition. Last evaluated: 2022-10-19. Review status: no assertion criteria provided. Collection method: clinical testing. Allele origin: germline. Not counted in ClinVar's aggregate classification.
Comment: This variant is classified as likely benign based on ACMG/AMP sequence variant interpretation guidelines (Richards et al. 2015 PMID: 25741868, with internal and published modifications).

GeneDx
No classification provided. Last evaluated: 2014-07-25. Review status: no classification provided. Criteria: GeneDx Variant Classification (06012015). Collection method: clinical testing. Allele origin: germline. Affected: yes. Not counted in ClinVar's aggregate classification.
Comment: Missense variants in the TTN gene are considered 'unclassified' if they are not previously reported in the literature and do not have >1% frequency in the population to be considered a polymorphism. Research indicates that truncating mutations in the TTN gene are expected to account for approximately 25% of familial and 18% of sporadic idiopathic DCM; however, truncating variants in the TTN gene have been reported in approximately 3% of reported control alleles. There has been little investigation into non-truncating variants. (Herman D et al. Truncations of titin causing dilated cardiomyopathy. N Eng J Med 366:619-628, 2012) The variant is found in DCM-CRDM panel(s).